The following is an entry in ClinVar:

ClinVar aggregate classification (germline): Likely benign (0 of 4 stars; one submission).

Conditions:
FREM2-related disorder. Also called: FREM2-related condition.

Allele frequency attached by ClinVar (database versions not stated): gnomAD exomes below 0.00001.
gnomAD v4.1: 1 of 1,614,150 alleles (0.000062%); highest among the groups gnomAD compares: Non-Finnish European, 0.000085%; no homozygotes.

Submission:

PreventionGenetics, part of Exact Sciences
Classification: Likely benign for FREM2-related condition. Last evaluated: 2020-09-30. Review status: no assertion criteria provided. Collection method: clinical testing. Allele origin: germline.
Comment: This variant is classified as likely benign based on ACMG/AMP sequence variant interpretation guidelines (Richards et al. 2015 PMID: 25741868, with internal and published modifications).

NM_207361.6(FREM2):c.5460C>G (p.Gly1820=)

Gene: FREM2 (FRAS1 related extracellular matrix 2; plus strand). Cytogenetic location: 13q13.3.
Variant type: single nucleotide variant.
Coding change: c.5460C>G on transcript NM_207361.6 (MANE Select); coding-DNA position 5460, C replaced by G.
Protein change: p.Gly1820=; no amino-acid change (glycine 1820 retained).
Molecular consequence: synonymous variant.
Genome position (GRCh38, 1-based): chr13:38,769,627, C>G. VCF-style: chr13-38769627-C-G. GRCh37 (hg19) VCF-style: chr13-39343764-C-G.
Identifiers: ClinVar variation 3032233 (VCV003032233.2), dbSNP rs2541427842, ClinGen allele CA483445218.